The following is an entry in ClinVar:

NM_133642.5(LARGE1):c.185G>T (p.Arg62Leu)

Gene: LARGE1 (LARGE xylosyl- and glucuronyltransferase 1; minus strand). Cytogenetic location: 22q12.3.
Variant type: single nucleotide variant.
Coding change: c.185G>T on transcript NM_133642.5 (MANE Select); coding-DNA position 185, G replaced by T.
Protein change: p.Arg62Leu; replaces arginine 62 with leucine.
Molecular consequence: missense variant.
Genome position (GRCh38, 1-based): chr22:33,650,590, C>A on the plus strand (G>T on the coding strand, the complement: LARGE1 is on the minus strand). VCF-style: chr22-33650590-C-A. GRCh37 (hg19) VCF-style: chr22-34046576-C-A.
Other names: c.185G>T, p.Arg62Leu (NM_001362949.2, NM_001362951.2, NM_001362953.2 and 7 more transcripts); short protein forms R62L.
Identifiers: ClinVar variation 1497802 (VCV001497802.8), dbSNP rs777156706, ClinGen allele CA411546452.

ClinVar aggregate classification (germline): Uncertain significance (1 of 4 stars; one submission).

Conditions:
Muscular dystrophy-dystroglycanopathy type B6 (MDDGB6). Also called: MUSCULAR DYSTROPHY-DYSTROGLYCANOPATHY (CONGENITAL WITH IMPAIRED INTELLECTUAL DEVELOPMENT), TYPE B, 6; MUSCULAR DYSTROPHY, CONGENITAL, LARGE-RELATED; MUSCULAR DYSTROPHY, CONGENITAL, TYPE 1D. Identifiers: MedGen C1837229, MONDO:0012138, OMIM 608840.

Submission:

Labcorp Genetics (formerly Invitae), Labcorp
Classification: Uncertain significance for Muscular dystrophy-dystroglycanopathy type B6. Last evaluated: 2021-04-14. Review status: criteria provided, single submitter. Criteria: Invitae Variant Classification Sherloc (09022015). Collection method: clinical testing. Allele origin: germline.
Comment: In summary, the available evidence is currently insufficient to determine the role of this variant in disease. Therefore, it has been classified as a Variant of Uncertain Significance. Algorithms developed to predict the effect of missense changes on protein structure and function are either unavailable or do not agree on the potential impact of this missense change (SIFT: "Deleterious"; PolyPhen-2: "Benign"; Align-GVGD: "Class C0"). This variant has not been reported in the literature in individuals with LARGE1-related conditions. This variant is not present in population databases (ExAC no frequency). This sequence change replaces arginine with leucine at codon 62 of the LARGE1 protein (p.Arg62Leu). The arginine residue is moderately conserved and there is a moderate physicochemical difference between arginine and leucine.